The following is an entry in ClinVar:

NM_001754.5(RUNX1):c.978C>G (p.Asp326Glu)

Gene: RUNX1 (RUNX family transcription factor 1; minus strand). Cytogenetic location: 21q22.12.
Variant type: single nucleotide variant.
Coding change: c.978C>G on transcript NM_001754.5 (MANE Select); coding-DNA position 978, C replaced by G.
Protein change: p.Asp326Glu; replaces aspartic acid 326 with glutamic acid.
Molecular consequence: missense variant.
Genome position (GRCh38, 1-based): chr21:34,792,600, G>C on the plus strand (C>G on the coding strand, the complement: RUNX1 is on the minus strand). VCF-style: chr21-34792600-G-C. GRCh37 (hg19) VCF-style: chr21-36164897-G-C.
Other names: NM_001754.5(RUNX1):c.978C>G; p.Asp326Glu; c.897C>G, p.Asp299Glu (NM_001001890.3); short protein forms D326E, D299E.
Identifiers: ClinVar variation 2765874 (VCV002765874.5), dbSNP rs2056461802, ClinGen allele CA410148812.

ClinVar aggregate classification (germline): Uncertain significance. Review status: reviewed by expert panel (3 of 4 stars). 3 submissions from 3 submitters: Uncertain significance (1). 2 of the submissions do not count toward it. Last evaluated 2025-01-15.

Conditions:
Hereditary thrombocytopenia and hematological cancer predisposition syndrome associated with RUNX1. Also called: RUNX1 Familial Platelet Disorder with Associated Myeloid Malignancies; Familial Platelet Disorder with Propensity to Acute Myelogenous Leukemia; Familial thrombocytopenia with propensity to acute myelogenous leukemia; PLATELET DISORDER, ASPIRIN-LIKE. Identifiers: Orphanet 71290, MedGen C1832388, MeSH C563324, MONDO:0100083, OMIM 601399.
Inborn genetic diseases. Identifiers: MedGen C0950123, MeSH D030342.
Hereditary thrombocytopenia and hematologic cancer predisposition syndrome. Identifiers: Orphanet 71290, MedGen CN281654, MONDO:0011071.

Allele frequency attached by ClinVar (database versions not stated): TOPMed below 0.00001.

Submissions (3):

ClinGen Myeloid Malignancy Variant Curation Expert Panel
Classification: Uncertain significance for Hereditary thrombocytopenia and hematologic cancer predisposition syndrome. Last evaluated: 2025-01-15. Review status: reviewed by expert panel. Criteria: ClinGen MyeloMalig ACMG Specifications v2. Collection method: curation. Allele origin: germline. Inheritance: Autosomal dominant inheritance.
Comment: NM_001754.5(RUNX1):c.978C>G (p.Asp326Glu) is a missense variant which is absent from all population databases with at least 20x coverage for RUNX1 (PM2_Supporting). This missense variant has a REVEL score <0.50 (0.075) (BP4). In summary, the clinical significance of this variant is uncertain. ACMG/AMP criteria applied, as specified by the Myeloid Malignancy Variant Curation Expert Panel for RUNX1: PM2_Supporting, BP4.

Ambry Genetics
Classification: Uncertain significance for Inborn genetic diseases. Last evaluated: 2026-07-02. Review status: criteria provided, single submitter. Criteria: Ambry Variant Classification Scheme 2023. Collection method: clinical testing. Allele origin: germline. Not counted in ClinVar's aggregate classification.
Comment: The p.D326E variant (also known as c.978C>G), located in coding exon 8 of the RUNX1 gene, results from a C to G substitution at nucleotide position 978. The aspartic acid at codon 326 is replaced by glutamic acid, an amino acid with highly similar properties. This amino acid position is conserved. In addition, this alteration is predicted to be tolerated by in silico analysis. Based on the available evidence, the clinical significance of this variant remains unclear.

Labcorp Genetics (formerly Invitae), Labcorp
Classification: Uncertain significance for Hereditary thrombocytopenia and hematological cancer predisposition syndrome associated with RUNX1. Last evaluated: 2023-10-05. Review status: criteria provided, single submitter. Criteria: Invitae Variant Classification Sherloc (09022015). Collection method: clinical testing. Allele origin: germline. Not counted in ClinVar's aggregate classification.
Comment: This sequence change replaces aspartic acid, which is acidic and polar, with glutamic acid, which is acidic and polar, at codon 326 of the RUNX1 protein (p.Asp326Glu). This variant is not present in population databases (gnomAD no frequency). This variant has not been reported in the literature in individuals affected with RUNX1-related conditions. Advanced modeling of protein sequence and biophysical properties (such as structural, functional, and spatial information, amino acid conservation, physicochemical variation, residue mobility, and thermodynamic stability) performed at Invitae indicates that this missense variant is not expected to disrupt RUNX1 protein function. In summary, the available evidence is currently insufficient to determine the role of this variant in disease. Therefore, it has been classified as a Variant of Uncertain Significance.